The following is an entry in ClinVar:

ClinVar aggregate classification (germline): Benign/Likely benign. Review status: criteria provided, multiple submitters, no conflicts (2 of 4 stars). 7 submissions from 7 submitters: Benign (1); Likely benign (5). 1 of the submissions does not count toward it. Last evaluated 2026-01-24.

Conditions:
POLE-related disorder. Also called: POLE-related condition; POLE-related disorders.
Hereditary cancer-predisposing syndrome. Also called: Hereditary neoplastic syndrome; Neoplastic Syndromes, Hereditary; Hereditary Cancer Syndrome; Tumor predisposition. Identifiers: Orphanet 140162, MedGen C0027672, MeSH D009386, MONDO:0015356.

Allele frequency attached by ClinVar (database versions not stated): ExAC 0.00002; TOPMed 0.00002; gnomAD 0.00003; gnomAD exomes 0.00005.
gnomAD v4.1: 36 of 1,613,770 alleles (0.0022%); highest among the groups gnomAD compares: Admixed American, 0.023%; no homozygotes.

Submissions (7):

Labcorp Genetics (formerly Invitae), Labcorp
Classification: Likely benign. Last evaluated: 2026-01-24. Review status: criteria provided, single submitter. Criteria: Invitae Variant Classification Sherloc (09022015). Collection method: clinical testing. Allele origin: germline.

Center for Genomic Medicine, Rigshospitalet, Copenhagen University Hospital
Classification: Likely benign. Last evaluated: 2025-03-04. Review status: criteria provided, single submitter. Criteria: ACMG Guidelines, 2015. Collection method: clinical testing. Allele origin: germline.

Blueprint Genetics
Classification: Likely benign. Last evaluated: 2020-09-21. Review status: criteria provided, single submitter. Criteria: ACMG Guidelines, 2015. Collection method: clinical testing. Allele origin: germline.

Quest Diagnostics Nichols Institute San Juan Capistrano
Classification: Benign. Last evaluated: 2018-05-06. Review status: criteria provided, single submitter. Criteria: Quest Diagnostics criteria. Collection method: clinical testing. Allele origin: germline.

GeneDx
Classification: Likely benign. Last evaluated: 2018-02-05. Review status: criteria provided, single submitter. Criteria: GeneDx Variant Classification (06012015). Collection method: clinical testing. Allele origin: germline. Affected: yes.
Comment: This variant is considered likely benign or benign based on one or more of the following criteria: it is a conservative change, it occurs at a poorly conserved position in the protein, it is predicted to be benign by multiple in silico algorithms, and/or has population frequency not consistent with disease.

Ambry Genetics
Classification: Likely benign for Hereditary cancer-predisposing syndrome. Last evaluated: 2015-08-18. Review status: criteria provided, single submitter. Criteria: Ambry Variant Classification Scheme 2023. Collection method: clinical testing. Allele origin: germline.

PreventionGenetics, part of Exact Sciences
Classification: Likely benign for POLE-related condition. Last evaluated: 2019-11-19. Review status: no assertion criteria provided. Collection method: clinical testing. Allele origin: germline. Not counted in ClinVar's aggregate classification.
Comment: This variant is classified as likely benign based on ACMG/AMP sequence variant interpretation guidelines (Richards et al. 2015 PMID: 25741868, with internal and published modifications).

NM_006231.4(POLE):c.2271C>T (p.Thr757=)

Gene: POLE (DNA polymerase epsilon, catalytic subunit; minus strand). Cytogenetic location: 12q24.33.
Variant type: single nucleotide variant.
Coding change: c.2271C>T on transcript NM_006231.4 (MANE Select); coding-DNA position 2271, C replaced by T.
Protein change: p.Thr757=; no amino-acid change (threonine 757 retained).
Molecular consequence: synonymous variant.
Genome position (GRCh38, 1-based): chr12:132,667,551, G>A on the plus strand (C>T on the coding strand, the complement: POLE is on the minus strand). VCF-style: chr12-132667551-G-A. GRCh37 (hg19) VCF-style: chr12-133244137-G-A.
Identifiers: ClinVar variation 413559 (VCV000413559.23), dbSNP rs765532123, ClinGen allele CA6893617.